The following is an entry in ClinVar:

NM_145207.3(AFG2A):c.1810C>T (p.Gln604Ter)

Gene: AFG2A (AAA ATPase AFG2A; plus strand). Cytogenetic location: 4q28.1.
Variant type: single nucleotide variant.
Coding change: c.1810C>T on transcript NM_145207.3 (MANE Select); coding-DNA position 1810, C replaced by T.
Protein change: p.Gln604Ter; replaces glutamine 604 with a stop codon.
Molecular consequence: nonsense.
Genome position (GRCh38, 1-based): chr4:122,979,327, C>T. VCF-style: chr4-122979327-C-T. GRCh37 (hg19) VCF-style: chr4-123900482-C-T.
Other names: c.1807C>T, p.Gln603Ter (NM_001317799.2, NM_001345856.2); short protein forms Q603*, Q604*.
Identifiers: ClinVar variation 1074946 (VCV001074946.7), dbSNP rs373156651, ClinGen allele CA3070549.

ClinVar aggregate classification (germline): Pathogenic/Likely pathogenic. Review status: criteria provided, multiple submitters, no conflicts (2 of 4 stars). 3 submissions from 3 submitters: Pathogenic (2); Likely pathogenic (1). Last evaluated 2026-05-28.

Conditions:
Microcephaly-intellectual disability-sensorineural hearing loss-epilepsy-abnormal muscle tone syndrome (NEDHSB). Also called: NEURODEVELOPMENTAL DISORDER WITH HEARING LOSS, SEIZURES, AND BRAIN ABNORMALITIES. Identifiers: Orphanet 457351, MedGen C4225276, MONDO:0014698, OMIM 616577.

gnomAD v4.1: 13 of 1,614,026 alleles (0.00081%); highest among the groups gnomAD compares: Non-Finnish European, 0.0011%; no homozygotes.

Submissions (3):

Women's Health and Genetics/Laboratory Corporation of America, LabCorp
Classification: Pathogenic for Microcephaly-intellectual disability-sensorineural hearing loss-epilepsy-abnormal muscle tone syndrome. Last evaluated: 2026-05-28. Review status: criteria provided, single submitter. Criteria: LabCorp Variant Classification Summary - May 2015. Collection method: clinical testing. Allele origin: germline.
Comment: Variant summary: AFG2A c.1810C>T (p.Gln604X) results in a premature termination codon, predicted to cause a truncation of the encoded protein or absence of the protein due to nonsense mediated decay, which are commonly known mechanisms for disease. Loss-of-function variants in this gene are known to be pathogenic. The variant allele was found at a frequency of 1.2e-05 in 251478 control chromosomes. To our knowledge, no occurrence of c.1810C>T in individuals affected with AFG2A-related conditions and no experimental evidence demonstrating its impact on protein function have been reported. ClinVar contains an entry for this variant (Variation ID: 1074946). Based on the evidence outlined above, the variant was classified as pathogenic.

Labcorp Genetics (formerly Invitae), Labcorp
Classification: Pathogenic for Microcephaly-intellectual disability-sensorineural hearing loss-epilepsy-abnormal muscle tone syndrome. Last evaluated: 2023-10-13. Review status: criteria provided, single submitter. Criteria: Invitae Variant Classification Sherloc (09022015). Collection method: clinical testing. Allele origin: germline.
Comment: This sequence change creates a premature translational stop signal (p.Gln604*) in the SPATA5 gene. It is expected to result in an absent or disrupted protein product. Loss-of-function variants in SPATA5 are known to be pathogenic (PMID: 26299366). This variant is present in population databases (rs373156651, gnomAD 0.003%). This variant has not been reported in the literature in individuals affected with SPATA5-related conditions. ClinVar contains an entry for this variant (Variation ID: 1074946). For these reasons, this variant has been classified as Pathogenic.

MGZ Medical Genetics Center
Classification: Likely pathogenic for Microcephaly-intellectual disability-sensorineural hearing loss-epilepsy-abnormal muscle tone syndrome. Last evaluated: 2022-03-07. Review status: criteria provided, single submitter. Criteria: ACMG Guidelines, 2015. Collection method: clinical testing. Allele origin: germline. Affected: yes. Observed: 1 variant allele.
Comment: ACMG criteria applied: PVS1, PM2_SUP

Literature cited by the submitters: PubMed 26299366 (cited by Labcorp Genetics (formerly Invitae), Labcorp).